The following is an entry in ClinVar:

ClinVar aggregate classification (germline): Likely benign. Review status: criteria provided, multiple submitters, no conflicts (2 of 4 stars). 3 submissions from 3 submitters: Likely benign (3). Last evaluated 2025-02-03.

Conditions:
Familial cancer of breast. Also called: Hereditary breast cancer; BREAST CANCER, FAMILIAL; hereditary breast carcinoma. Identifiers: Orphanet 227535, MedGen C0346153, MONDO:0016419, OMIM 114480. Disease mechanism: loss of function.
Hereditary cancer-predisposing syndrome. Also called: Tumor predisposition; Neoplastic Syndromes, Hereditary; Hereditary neoplastic syndrome; Hereditary Cancer Syndrome. Identifiers: Orphanet 140162, MedGen C0027672, MeSH D009386, MONDO:0015356.

Allele frequency attached by ClinVar (database versions not stated): gnomAD exomes below 0.00001 and 0.00003; gnomAD 0.00001; TOPMed 0.00001; ExAC 0.00003.
gnomAD v4.1: 6 of 1,504,574 alleles (0.0004%); highest among the groups gnomAD compares: East Asian, 0.014%; no homozygotes.

Submissions (3):

Labcorp Genetics (formerly Invitae), Labcorp
Classification: Likely benign for Familial cancer of breast. Last evaluated: 2025-02-03. Review status: criteria provided, single submitter. Criteria: Invitae Variant Classification Sherloc (09022015). Collection method: clinical testing. Allele origin: germline.

Myriad Genetics, Inc.
Classification: Likely benign for Familial cancer of breast. Last evaluated: 2024-10-03. Review status: criteria provided, single submitter. Criteria: Myriad Autosomal Dominant, Autosomal Recessive and X-Linked Classification Criteria (2023). Collection method: clinical testing. Allele origin: unknown.
Comment: This variant is considered likely benign. This variant is intronic and is not expected to impact mRNA splicing.

Color Diagnostics, LLC DBA Color Health
Classification: Likely benign for Hereditary cancer-predisposing syndrome. Last evaluated: 2017-03-09. Review status: criteria provided, single submitter. Criteria: ACMG Guidelines, 2015. Collection method: clinical testing. Allele origin: germline.

NM_007194.4(CHEK2):c.683+10T>C

Gene: CHEK2 (checkpoint kinase 2; minus strand). Cytogenetic location: 22q12.1.
Variant type: single nucleotide variant.
Coding change: c.683+10T>C on transcript NM_007194.4 (MANE Select); 10 bases into the intron after coding-DNA position 683, T replaced by C.
Molecular consequence: intron variant.
Genome position (GRCh38, 1-based): chr22:28,719,385, A>G on the plus strand (T>C on the coding strand, the complement: CHEK2 is on the minus strand). VCF-style: chr22-28719385-A-G. GRCh37 (hg19) VCF-style: chr22-29115373-A-G.
Other names: c.20+10T>C (NM_001437942.1, NM_001257387.3); c.482+5501T>C (NM_001349956.3); c.683+10T>C (NM_145862.3); c.776+10T>C (NM_001438295.1, NM_001438293.1); c.812+10T>C (NM_001438294.1, NM_001005735.3).
Identifiers: ClinVar variation 415923 (VCV000415923.16), dbSNP rs747427230, ClinGen allele CA10167921.
Genomic context (GRCh38, chr22:28,719,385, plus strand): 5'-AAATGAGAAACCACCAATCACAAATGTATAGTGAAAAAATTAAGTGCATTTATATAAGAA[A>G]ATAATTTACCTTCCAAGAGTTTTTGACATGATGTATTCATCTCTTAATGCCTTAGGATAA-3'